The following is an entry in ClinVar:

NM_005068.3(SIM1):c.213C>G (p.Ser71Arg)

Gene: SIM1 (SIM bHLH transcription factor 1; minus strand). Cytogenetic location: 6q16.3.
Variant type: single nucleotide variant.
Coding change: c.213C>G on transcript NM_005068.3 (MANE Select); coding-DNA position 213, C replaced by G.
Protein change: p.Ser71Arg; replaces serine 71 with arginine.
Molecular consequence: missense variant.
Genome position (GRCh38, 1-based): chr6:100,453,807, G>C on the plus strand (C>G on the coding strand, the complement: SIM1 is on the minus strand). VCF-style: chr6-100453807-G-C. GRCh37 (hg19) VCF-style: chr6-100901683-G-C.
Other names: c.213C>G, p.Ser71Arg (NM_001374769.1); short protein forms S71R.
Identifiers: ClinVar variation 3358004 (VCV003358004.1).

ClinVar aggregate classification (germline): Uncertain significance (0 of 4 stars; one submission).

Conditions:
SIM1-related disorder. Also called: SIM1-related condition; SIM1-related disorders.

gnomAD v4.1: 40 of 1,612,204 alleles (0.0025%); highest among the groups gnomAD compares: Non-Finnish European, 0.0029%; no homozygotes.

Submission:

PreventionGenetics, part of Exact Sciences
Classification: Uncertain significance for SIM1-related condition. Last evaluated: 2024-02-01. Review status: no assertion criteria provided. Collection method: clinical testing. Allele origin: germline.
Comment: The SIM1 c.213C>G variant is predicted to result in the amino acid substitution p.Ser71Arg. This variant was reported in an individual with obesity and functional studies suggest it may result in reduced function (Ramachandrappa et al. 2013. PubMed ID: 23778139). This variant is reported in 0.0093% of alleles in individuals of European (Finnish) descent in gnomAD. Although we suspect that this variant may be pathogenic, at this time, the clinical significance of this variant is uncertain due to the absence of conclusive functional and genetic evidence.